The following is an entry in ClinVar:

NM_004655.4(AXIN2):c.734C>T (p.Pro245Leu)

Gene: AXIN2 (axin 2; minus strand). Cytogenetic location: 17q24.1.
Variant type: single nucleotide variant.
Coding change: c.734C>T on transcript NM_004655.4 (MANE Select); coding-DNA position 734, C replaced by T.
Protein change: p.Pro245Leu; replaces proline 245 with leucine.
Molecular consequence: missense variant.
Genome position (GRCh38, 1-based): chr17:65,557,887, G>A on the plus strand (C>T on the coding strand, the complement: AXIN2 is on the minus strand). VCF-style: chr17-65557887-G-A. GRCh37 (hg19) VCF-style: chr17-63554005-G-A.
Other names: c.734C>T, p.Pro245Leu (NM_001363813.1); short protein forms P245L.
Identifiers: ClinVar variation 3814257 (VCV003814257.1).
Genomic context (GRCh38, chr17:65,557,887, plus strand): 5'-TCCGTGGACCTCACACTCGCCGTGGCCCTCAGAGTTTTGCTGGACAAGCCAACCACGGTT[G>A]GCGAAAGTTTGCACTTGAAGTCGGCACAAGTCCACTCCTCTTCTTCATTCAAGGTGGGGA-3'
Protein context (NP_004646.3, residues 235-255): TCADFKCKLS[Pro245Leu]TVVGLSSKTL

ClinVar aggregate classification (germline): Uncertain significance (1 of 4 stars; one submission).

Conditions:
Hereditary cancer-predisposing syndrome. Also called: Hereditary neoplastic syndrome; Neoplastic Syndromes, Hereditary; Tumor predisposition; Hereditary Cancer Syndrome. Identifiers: Orphanet 140162, MedGen C0027672, MeSH D009386, MONDO:0015356.

Submission:

Ambry Genetics
Classification: Uncertain significance for Hereditary cancer-predisposing syndrome. Last evaluated: 2024-12-29. Review status: criteria provided, single submitter. Criteria: Ambry Variant Classification Scheme 2023. Collection method: clinical testing. Allele origin: germline.
Comment: The p.P245L variant (also known as c.734C>T), located in coding exon 1 of the AXIN2 gene, results from a C to T substitution at nucleotide position 734. The proline at codon 245 is replaced by leucine, an amino acid with similar properties. This amino acid position is conserved. In addition, the in silico prediction for this alteration is inconclusive. Based on the available evidence, the clinical significance of this variant remains unclear.